The following is an entry in ClinVar:

NM_000478.6(ALPL):c.692A>G (p.Lys231Arg)

Gene: ALPL (alkaline phosphatase, biomineralization associated; plus strand). Cytogenetic location: 1p36.12.
Variant type: single nucleotide variant.
Coding change: c.692A>G on transcript NM_000478.6 (MANE Select); coding-DNA position 692, A replaced by G.
Protein change: p.Lys231Arg; replaces lysine 231 with arginine.
Molecular consequence: missense variant.
Genome position (GRCh38, 1-based): chr1:21,568,147, A>G. VCF-style: chr1-21568147-A-G. GRCh37 (hg19) VCF-style: chr1-21894640-A-G.
Other names: c.527A>G, p.Lys176Arg (NM_001127501.4); c.461A>G, p.Lys154Arg (NM_001177520.3); c.692A>G, p.Lys231Arg (NM_001369803.2, NM_001369804.2, NM_001369805.2); short protein forms K154R, K176R, K231R.
Identifiers: ClinVar variation 4974816 (VCV004974816.1).
Genomic context (GRCh38, chr1:21,568,147, plus strand): 5'-GCTCCTGTCTCTTTTAGGTGATCATGGGGGGTGGCCGGAAATACATGTACCCCAAGAATA[A>G]AACTGATGTGGAGTATGAGAGTGACGAGAAAGCCAGGGGCACGAGGCTGGACGGCCTGGA-3'
Protein context (NP_000469.3, residues 221-241): GGRKYMYPKN[Lys231Arg]TDVEYESDEK

ClinVar aggregate classification (germline): Uncertain significance (1 of 4 stars; one submission).

Conditions:
Hypophosphatasia. Also called: Phosphoethanol-aminuria. Identifiers: Orphanet 436, MedGen C0020630, MeSH D007014, MONDO:0018570.

gnomAD v4.1: 3 of 1,613,988 alleles (0.00019%); highest among the groups gnomAD compares: Non-Finnish European, 0.00017%; no homozygotes.

Submission:

Genomenon, Inc
Classification: Uncertain significance for Hypophosphatasia. Last evaluated: 2026-09-01. Review status: criteria provided, single submitter. Criteria: Genomenon Sequence Variant Interpretation Standards - Updated. Collection method: curation. Allele origin: germline. Affected: no.
Comment: ALPL p.Lys231Arg (c.692A>G) is a missense variant that changes the amino acid at codon 231 from Lysine to Arginine. This variant has been reported in the published literature (PMID:32160374). It is absent or not present at a significant frequency in gnomAD. In silico models predict that this variant is not damaging. In conclusion, we classify ALPL p.Lys231Arg (c.692A>G) as a variant of uncertain significance.

Literature cited by the submitters: PubMed 32160374.